The following is an entry in ClinVar:

NC_012920.1(MT-CO3):m.9868G>A

Gene: MT-CO3 (mitochondrially encoded cytochrome c oxidase III; plus strand).
Variant type: single nucleotide variant.
Genome position: chrM-9868-G-A.
Identifiers: ClinVar variation 693244 (VCV000693244.1), dbSNP rs1603222560, ClinGen allele CA414803888.
Genomic context (GRCh38, chrMT:9,868, plus strand): 5'-CAGGCTTCCACGGACTTCACGTCATTATTGGCTCAACTTTCCTCACTATCTGCTTCATCC[G>A]CCAACTAATATTTCACTTTACATCCAAACATCACTTTGGCTTCGAAGCCGCCGCCTGATA-3'

ClinVar aggregate classification (germline): Uncertain significance (1 of 4 stars; one submission).

Conditions:
Leigh syndrome (NULS). Also called: Leigh's necrotizing encephalopathy; Leigh's disease; Leigh Syndrome (mtDNA deletion); Leigh Disease; Subacute necrotizing encephalopathy; Necrotizing encephalopathy infantile subacute of Leigh. Identifiers: Orphanet 506, MedGen C2931891, MONDO:0009723, OMIM 256000.

Submission:

Wong Mito Lab, Molecular and Human Genetics, Baylor College of Medicine
Classification: Uncertain significance for Leigh syndrome. Last evaluated: 2019-10-17. Review status: criteria provided, single submitter. Criteria: Modified ACMG Guidelines (Unpublished). Collection method: clinical testing. Allele origin: germline.
Comment: The NC_012920.1:m.9868G>A (YP_003024032.1:p.Arg221His) variant in MTCO3 gene is interpretated to be a Uncertain Significance variant based on the modified ACMG guidelines (unpublished). This variant meets the following evidence codes: no criteria